The following is an entry in ClinVar:

ClinVar aggregate classification (germline): Uncertain significance (1 of 4 stars; one submission).

Conditions:
Inborn genetic diseases. Identifiers: MedGen C0950123, MeSH D030342.

gnomAD v4.1: 2 of 1,613,958 alleles (0.00012%); highest among the groups gnomAD compares: Non-Finnish European, 0.00017%; no homozygotes.

Submission:

Ambry Genetics
Classification: Uncertain significance for Inborn genetic diseases. Last evaluated: 2025-03-08. Review status: criteria provided, single submitter. Criteria: Ambry Variant Classification Scheme 2023. Collection method: clinical testing. Allele origin: germline.
Comment: The p.L1111F variant (also known as c.3333G>C), located in coding exon 33 of the FANCA gene, results from a G to C substitution at nucleotide position 3333. The leucine at codon 1111 is replaced by phenylalanine, an amino acid with highly similar properties. This amino acid position is conserved. In addition, this alteration is predicted to be tolerated by in silico analysis. Based on the available evidence, the clinical significance of this variant remains unclear.

NM_000135.4(FANCA):c.3333G>C (p.Leu1111Phe)

Gene: FANCA (FA complementation group A; minus strand). Cytogenetic location: 16q24.3.
Variant type: single nucleotide variant.
Coding change: c.3333G>C on transcript NM_000135.4 (MANE Select); coding-DNA position 3333, G replaced by C.
Protein change: p.Leu1111Phe; replaces leucine 1111 with phenylalanine.
Molecular consequence: missense variant.
Genome position (GRCh38, 1-based): chr16:89,748,674, C>G on the plus strand (G>C on the coding strand, the complement: FANCA is on the minus strand). VCF-style: chr16-89748674-C-G. GRCh37 (hg19) VCF-style: chr16-89815082-C-G.
Other names: c.3333G>C, p.Leu1111Phe (NM_001286167.3); short protein forms L1111F.
Identifiers: ClinVar variation 3848299 (VCV003848299.1).
Genomic context (GRCh38, chr16:89,748,674, plus strand): 5'-CAGGCACTGACAGATCGGACGGACACGTGCACACGGGGCACCTACCATCTCAGAGTTGAC[C>G]AAGTGGAAGAACTGCTCGCATCTGGCAGTGATGGGCTGTTCTGCCTGGAAGCTGCTGCCG-3'
Protein context (NP_000126.2, residues 1101-1121): ITARCEQFFH[Leu1111Phe]VNSEMRNFCS